The following is an entry in ClinVar:

ClinVar aggregate classification (germline): Uncertain significance. Review status: criteria provided, multiple submitters, no conflicts (2 of 4 stars). 4 submissions from 4 submitters: Uncertain significance (3). 1 of the submissions does not count toward it. Last evaluated 2024-09-05.

Conditions:
Nemaline myopathy 2 (NEM2). Also called: Nemaline myopathy 2, autosomal recessive. Identifiers: MedGen C1850569, MONDO:0009725, OMIM 256030.

Allele frequency attached by ClinVar (database versions not stated): gnomAD 0.00007 and 0.00009; ExAC 0.00001; TOPMed 0.00010; gnomAD exomes 0.00001; ESP Exome Variant Server 0.00008.
gnomAD v4.1: 23 of 1,612,170 alleles (0.0014%); highest among the groups gnomAD compares: African/African-American, 0.029%; no homozygotes.

Submissions (4):

Revvity Omics, Revvity
Classification: Uncertain significance. Last evaluated: 2024-09-05. Review status: criteria provided, single submitter. Criteria: ACMG Guidelines, 2015. Collection method: clinical testing. Allele origin: germline.

Labcorp Genetics (formerly Invitae), Labcorp
Classification: Uncertain significance for Nemaline myopathy 2. Last evaluated: 2022-07-30. Review status: criteria provided, single submitter. Criteria: Invitae Variant Classification Sherloc (09022015). Collection method: clinical testing. Allele origin: germline.
Comment: This sequence change replaces valine, which is neutral and non-polar, with isoleucine, which is neutral and non-polar, at codon 135 of the NEB protein (p.Val135Ile). This variant is present in population databases (rs373729655, gnomAD 0.01%). This variant has not been reported in the literature in individuals affected with NEB-related conditions. ClinVar contains an entry for this variant (Variation ID: 285101). Algorithms developed to predict the effect of missense changes on protein structure and function are either unavailable or do not agree on the potential impact of this missense change (SIFT: "Deleterious"; PolyPhen-2: "Not Available"; Align-GVGD: "Class C0"). In summary, the available evidence is currently insufficient to determine the role of this variant in disease. Therefore, it has been classified as a Variant of Uncertain Significance.

Eurofins Ntd Llc (ga)
Classification: Uncertain significance. Last evaluated: 2015-12-24. Review status: criteria provided, single submitter. Criteria: EGL Classification Definitions 2015. Collection method: clinical testing. Allele origin: germline. Observed: 1 variant allele, 1 heterozygote.

Natera, Inc.
Classification: Uncertain significance for Nemaline myopathy type 2. Last evaluated: 2021-02-16. Review status: no assertion criteria provided. Collection method: clinical testing. Allele origin: germline. Not counted in ClinVar's aggregate classification.

NM_001164508.2(NEB):c.403G>A (p.Val135Ile)

Gene: NEB (nebulin; minus strand). Cytogenetic location: 2q23.3.
Variant type: single nucleotide variant.
Coding change: c.403G>A on transcript NM_001164508.2 (MANE Select); coding-DNA position 403, G replaced by A.
Protein change: p.Val135Ile; replaces valine 135 with isoleucine.
Molecular consequence: missense variant.
Genome position (GRCh38, 1-based): chr2:151,724,961, C>T on the plus strand (G>A on the coding strand, the complement: NEB is on the minus strand). VCF-style: chr2-151724961-C-T. GRCh37 (hg19) VCF-style: chr2-152581475-C-T.
Other names: c.403G>A, p.Val135Ile (NM_001164507.2, NM_001271208.2, NM_004543.5); short protein forms V135I.
Identifiers: ClinVar variation 285101 (VCV000285101.15), dbSNP rs373729655, ClinGen allele CA1911906.